The following is an entry in ClinVar:

NM_001376.5(DYNC1H1):c.11992C>T (p.Pro3998Ser)

Gene: DYNC1H1 (dynein cytoplasmic 1 heavy chain 1; plus strand). Cytogenetic location: 14q32.31.
Variant type: single nucleotide variant.
Coding change: c.11992C>T on transcript NM_001376.5 (MANE Select); coding-DNA position 11992, C replaced by T.
Protein change: p.Pro3998Ser; replaces proline 3998 with serine.
Molecular consequence: missense variant.
Genome position (GRCh38, 1-based): chr14:102,041,624, C>T. VCF-style: chr14-102041624-C-T. GRCh37 (hg19) VCF-style: chr14-102507961-C-T.
Other names: short protein forms P3998S.
Identifiers: ClinVar variation 1301620 (VCV001301620.2), dbSNP rs2152596268, ClinGen allele CA391037692.
Genomic context (GRCh38, chr14:102,041,624, plus strand): 5'-CCTGTTTCAGCACCCATTGGCCAGGCCATCCACCGCCTGCTCCTGATCCAGGCTTTCCGG[C>T]CCGATCGCCTGTTGGCCATGGCCCACATGTTTGTTTCAACAAACCTTGGGGAGTCTTTCA-3'
Protein context (NP_001367.2, residues 3988-4008): HRLLLIQAFR[Pro3998Ser]DRLLAMAHMF

ClinVar aggregate classification (germline): Uncertain significance (1 of 4 stars; one submission).

Submission:

Dubai Health Genomic Medicine Center, Dubai Health
Classification: Uncertain significance. Last evaluated: 2019-12-29. Review status: criteria provided, single submitter. Criteria: ACMG Guidelines, 2015. Collection method: clinical testing. Allele origin: germline. Affected: yes.
Comment: The p.Pro3998Ser missense variant in DYNC1H1 has not been previously reported in affected individuals and is absent from large population studies such as the Genome Aggregation Database (gnomAD) and the Greater Middle East (GME) Variome database. Computational prediction tools and conservation analysis suggest an impact to protein function though this information is not predictive enough to confirm pathogenicity. In summary more information is needed to determine the clinical significance of this variant.